The following is an entry in ClinVar:

ClinVar aggregate classification (germline): Uncertain significance. Review status: criteria provided, multiple submitters, no conflicts (2 of 4 stars). 2 submissions from 2 submitters: Uncertain significance (2). Last evaluated 2024-08-06.

Conditions:
Cardiovascular phenotype. Identifiers: MedGen CN230736.
Hypercholesterolemia, autosomal dominant, type B (FHCL2). Also called: APOB-Related Familial Hypercholesterolemia, Autosomal Dominant; Hyperlipoproteinemia Type IIb; Familial Hypercholesterolemia Type B; APOLIPOPROTEIN B-100, FAMILIAL DEFECTIVE; APOLIPOPROTEIN B-100, FAMILIAL LIGAND-DEFECTIVE; Familial hypercholesterolemia 2. Identifiers: MedGen C1704417, MONDO:0007751, OMIM 144010.
Familial hypobetalipoproteinemia 1. Also called: APOB-Related Familial Hypobetalipoproteinemia; Hypobetalipoproteinemia, normotriglyceridemic; Acanthocytosis with hypobetalipoproteinemia. Identifiers: MedGen C4551990, MONDO:0014252, OMIM 615558.

Allele frequency attached by ClinVar (database versions not stated): gnomAD exomes below 0.00001; ExAC 0.00001.
gnomAD v4.1: 5 of 1,613,994 alleles (0.00031%); highest among the groups gnomAD compares: Non-Finnish European, 0.00042%; no homozygotes.

Submissions (2):

Labcorp Genetics (formerly Invitae), Labcorp
Classification: Uncertain significance for Familial hypobetalipoproteinemia 1; Hypercholesterolemia, autosomal dominant, type B. Last evaluated: 2024-08-06. Review status: criteria provided, single submitter. Criteria: Invitae Variant Classification Sherloc (09022015). Collection method: clinical testing. Allele origin: germline.
Comment: This sequence change replaces glutamic acid, which is acidic and polar, with valine, which is neutral and non-polar, at codon 4061 of the APOB protein (p.Glu4061Val). This variant is present in population databases (rs747772556, gnomAD 0.0009%). This missense change has been observed in individual(s) with APOB-related conditions (PMID: 33303402). ClinVar contains an entry for this variant (Variation ID: 630241). Advanced modeling of protein sequence and biophysical properties (such as structural, functional, and spatial information, amino acid conservation, physicochemical variation, residue mobility, and thermodynamic stability) performed at Invitae indicates that this missense variant is not expected to disrupt APOB protein function with a negative predictive value of 95%. In summary, the available evidence is currently insufficient to determine the role of this variant in disease. Therefore, it has been classified as a Variant of Uncertain Significance.

Ambry Genetics
Classification: Uncertain significance for Cardiovascular phenotype. Last evaluated: 2023-05-02. Review status: criteria provided, single submitter. Criteria: Ambry Variant Classification Scheme 2023. Collection method: clinical testing. Allele origin: germline.
Comment: The p.E4061V variant (also known as c.12182A>T), located in coding exon 29 of the APOB gene, results from an A to T substitution at nucleotide position 12182. The glutamic acid at codon 4061 is replaced by valine, an amino acid with dissimilar properties. This alteration has been reported in a hypertriglyceridemia cohort (Gill PK et al. J Clin Lipidol, 2021 Nov;15:79-87). This amino acid position is not well conserved in available vertebrate species. In addition, this alteration is predicted to be tolerated by in silico analysis. Since supporting evidence is limited at this time, the clinical significance of this alteration remains unclear.

Literature cited by the submitters: PubMed 33303402 (cited by Labcorp Genetics (formerly Invitae), Labcorp and Ambry Genetics).

NM_000384.3(APOB):c.12182A>T (p.Glu4061Val)

Gene: APOB (apolipoprotein B; minus strand). Cytogenetic location: 2p24.1.
Variant type: single nucleotide variant.
Coding change: c.12182A>T on transcript NM_000384.3 (MANE Select); coding-DNA position 12182, A replaced by T.
Protein change: p.Glu4061Val; replaces glutamic acid 4061 with valine.
Molecular consequence: missense variant.
Genome position (GRCh38, 1-based): chr2:21,003,240, T>A on the plus strand (A>T on the coding strand, the complement: APOB is on the minus strand). VCF-style: chr2-21003240-T-A. GRCh37 (hg19) VCF-style: chr2-21226112-T-A.
Other names: short protein forms E4061V.
Identifiers: ClinVar variation 630241 (VCV000630241.7), dbSNP rs747772556, ClinGen allele CA049521.